The following is an entry in ClinVar:

ClinVar aggregate classification (germline): Uncertain significance (1 of 4 stars; one submission).

Allele frequency attached by ClinVar (database versions not stated): gnomAD 0.00001.

Submission:

Labcorp Genetics (formerly Invitae), Labcorp
Classification: Uncertain significance. Last evaluated: 2022-08-15. Review status: criteria provided, single submitter. Criteria: Invitae Variant Classification Sherloc (09022015). Collection method: clinical testing. Allele origin: germline.
Comment: In summary, the available evidence is currently insufficient to determine the role of this variant in disease. Therefore, it has been classified as a Variant of Uncertain Significance. Algorithms developed to predict the effect of sequence changes on RNA splicing suggest that this variant may create or strengthen a splice site. Advanced modeling of protein sequence and biophysical properties (such as structural, functional, and spatial information, amino acid conservation, physicochemical variation, residue mobility, and thermodynamic stability) performed at Invitae indicates that this missense variant is not expected to disrupt FLNB protein function. ClinVar contains an entry for this variant (Variation ID: 1393625). This variant has not been reported in the literature in individuals affected with FLNB-related conditions. This variant is not present in population databases (gnomAD no frequency). This sequence change replaces proline, which is neutral and non-polar, with leucine, which is neutral and non-polar, at codon 1312 of the FLNB protein (p.Pro1312Leu).

NM_001457.4(FLNB):c.3935C>T (p.Pro1312Leu)

Gene: FLNB (filamin B; plus strand). Cytogenetic location: 3p14.3.
Variant type: single nucleotide variant.
Coding change: c.3935C>T on transcript NM_001457.4 (MANE Select); coding-DNA position 3935, C replaced by T.
Protein change: p.Pro1312Leu; replaces proline 1312 with leucine.
Molecular consequence: missense variant.
Genome position (GRCh38, 1-based): chr3:58,125,617, C>T. VCF-style: chr3-58125617-C-T. GRCh37 (hg19) VCF-style: chr3-58111344-C-T.
Other names: c.3935C>T, p.Pro1312Leu (NM_001164317.2, NM_001164318.2, NM_001164319.2); short protein forms P1312L.
Identifiers: ClinVar variation 1393625 (VCV001393625.6), dbSNP rs2097296426, ClinGen allele CA353349841.
Genomic context (GRCh38, chr3:58,125,617, plus strand): 5'-GTTTCTGTTTGTTGTTTTGAGCAGGTCTCCATGTAGTGGAGGTGACATATGATGACGTGC[C>T]TATCCCAAACAGTCCCTTCAAGGTGGCTGTCACTGAAGGCTGCCAGCCATCTAGGGTGCA-3'
Protein context (NP_001448.2, residues 1302-1322): HVVEVTYDDV[Pro1312Leu]IPNSPFKVAV